The following is an entry in ClinVar:

ClinVar aggregate classification (germline): Uncertain significance. Review status: criteria provided, multiple submitters, no conflicts (2 of 4 stars). 2 submissions from 2 submitters: Uncertain significance (2). Last evaluated 2026-01-03.

Conditions:
Inborn genetic diseases. Identifiers: MedGen C0950123, MeSH D030342.
Complex neurodevelopmental disorder. Identifiers: Orphanet 528084, MedGen C5568766, MONDO:0100038.

Allele frequency attached by ClinVar (database versions not stated): ExAC 0.00002; gnomAD exomes 0.00002; gnomAD 0.00005; 1000 Genomes Project 30x 0.00016; TOPMed 0.00003; 1000 Genomes Project 0.00020.
gnomAD v4.1: 33 of 1,497,428 alleles (0.0022%); highest among the groups gnomAD compares: Admixed American, 0.0073%; no homozygotes.

Submissions (2):

Dasa
Classification: Uncertain significance for Complex neurodevelopmental disorder. Last evaluated: 2026-01-03. Review status: criteria provided, single submitter. Criteria: DASA Assertion Criteria. Collection method: clinical testing. Allele origin: germline.
Comment: NM_001162501.2(TNRC6B):c.409G>A (p.Ala137Thr) is a missense variant that results in the substitution of alanine with threonine. This variant is rare in population databases. Computational prediction algorithms are consistent with a benign effect. The currently available literature and clinical evidence are not sufficient to establish a definitive association between this variant and the reported condition. Therefore, this variant is classified as a variant of uncertain significance.

Ambry Genetics
Classification: Uncertain significance for Inborn genetic diseases. Last evaluated: 2023-12-22. Review status: criteria provided, single submitter. Criteria: Ambry Variant Classification Scheme 2023. Collection method: clinical testing. Allele origin: germline.

NM_001162501.2(TNRC6B):c.409G>A (p.Ala137Thr)

Gene: TNRC6B (trinucleotide repeat containing adaptor 6B; plus strand). Cytogenetic location: 22q13.1.
Variant type: single nucleotide variant.
Coding change: c.409G>A on transcript NM_001162501.2 (MANE Select); coding-DNA position 409, G replaced by A.
Protein change: p.Ala137Thr; replaces alanine 137 with threonine.
Molecular consequence: missense variant.
Genome position (GRCh38, 1-based): chr22:40,262,125, G>A. VCF-style: chr22-40262125-G-A. GRCh37 (hg19) VCF-style: chr22-40658129-G-A.
Other names: c.517G>A, p.Ala173Thr (NM_001024843.2); c.409G>A, p.Ala137Thr (NM_015088.3); short protein forms A137T, A173T.
Identifiers: ClinVar variation 3180721 (VCV003180721.3), dbSNP rs527289260, ClinGen allele CA10246499.